The following is an entry in ClinVar:

ClinVar aggregate classification (germline): Benign (1 of 4 stars; one submission).

Conditions:
Myopathy, lactic acidosis, and sideroblastic anemia 1 (MLASA1). Identifiers: Orphanet 2598, MedGen C4551958, MONDO:0024553, OMIM 600462.

Allele frequency attached by ClinVar (database versions not stated): gnomAD exomes 0.00256; gnomAD 0.00343 and 0.00350; TOPMed 0.00367; 1000 Genomes Project 0.00499; 1000 Genomes Project 30x 0.00500.
gnomAD v4.1: 1,359 of 481,044 alleles (0.28%); highest among the groups gnomAD compares: Admixed American, 2.8%; 20 homozygotes.

Submission:

Illumina Laboratory Services, Illumina
Classification: Benign for Myopathy, lactic acidosis, and sideroblastic anemia 1. Last evaluated: 2018-01-13. Review status: criteria provided, single submitter. Criteria: ICSL Variant Classification Criteria 13 December 2019. Collection method: clinical testing. Allele origin: germline.
Comment: This variant was observed in the ICSL laboratory as part of a predisposition screen in an ostensibly healthy population. It had not been previously curated by ICSL or reported in the Human Gene Mutation Database (HGMD: prior to June 1st, 2018), and was therefore a candidate for classification through an automated scoring system. Utilizing variant allele frequency, disease prevalence and penetrance estimates, and inheritance mode, an automated score was calculated to assess if this variant is too frequent to cause the disease. Based on the score and internal cut-off values, a variant classified as benign is not then subjected to further curation. The score for this variant resulted in a classification of benign for this disease.

NM_025215.6(PUS1):c.*253G>C

Gene: PUS1 (pseudouridine synthase 1; plus strand). Cytogenetic location: 12q24.33.
Variant type: single nucleotide variant.
Coding change: c.*253G>C on transcript NM_025215.6 (MANE Select); 253 bases downstream of the stop codon, G replaced by C.
Molecular consequence: 3 prime UTR variant.
Genome position (GRCh38, 1-based): chr12:131,943,839, G>C. VCF-style: chr12-131943839-G-C. GRCh37 (hg19) VCF-style: chr12-132428384-G-C.
Other names: c.*253G>C (NM_001002019.3, NM_001002020.3).
Identifiers: ClinVar variation 883396 (VCV000883396.4), dbSNP rs59879353, ClinGen allele CA246189215.